The following is an entry in ClinVar:

NM_000372.5(TYR):c.316G>C (p.Gly106Arg)

Gene: TYR (tyrosinase; plus strand). Cytogenetic location: 11q14.3.
Variant type: single nucleotide variant.
Coding change: c.316G>C on transcript NM_000372.5 (MANE Select); coding-DNA position 316, G replaced by C.
Protein change: p.Gly106Arg; replaces glycine 106 with arginine.
Molecular consequence: missense variant.
Genome position (GRCh38, 1-based): chr11:89,178,269, G>C. VCF-style: chr11-89178269-G-C. GRCh37 (hg19) VCF-style: chr11-88911437-G-C.
Other names: c.316G>C (NM_000372.4); short protein forms G106R.
Identifiers: ClinVar variation 1406950 (VCV001406950.5), dbSNP rs759163678, ClinGen allele CA6221082.

ClinVar aggregate classification (germline): Conflicting classifications of pathogenicity. Review status: criteria provided, conflicting classifications (1 of 4 stars). 3 submissions from 3 submitters: Likely pathogenic (1); Uncertain significance (2). Last evaluated 2025-02-04.

Conditions:
TYR-related disorder. Also called: TYR-related condition.

Allele frequency attached by ClinVar (database versions not stated): gnomAD 0.00001; TOPMed 0.00003; ExAC 0.00007; gnomAD exomes 0.00007.
gnomAD v4.1: 50 of 1,614,060 alleles (0.0031%); highest among the groups gnomAD compares: Admixed American, 0.03%; no homozygotes.

Submissions (3):

PreventionGenetics, part of Exact Sciences
Classification: Likely pathogenic for TYR-related condition. Last evaluated: 2025-02-04. Review status: criteria provided, single submitter. Criteria: ACMG Guidelines, 2015. Collection method: clinical testing. Allele origin: germline.
Comment: The TYR c.316G>C variant is predicted to result in the amino acid substitution p.Gly106Arg. This variant has been reported in an individual with oculocutaneous albinism (King et al. 2003. PubMed ID: 13680365). This amino acid change is predicted damaging. This variant is present in 0.048% of alleles in individuals of Latino descent in gnomAD. Given the evidence, we interpret this variant as likely pathogenic.

Labcorp Genetics (formerly Invitae), Labcorp
Classification: Uncertain significance. Last evaluated: 2022-10-25. Review status: criteria provided, single submitter. Criteria: Invitae Variant Classification Sherloc (09022015). Collection method: clinical testing. Allele origin: germline.
Comment: This sequence change replaces glycine, which is neutral and non-polar, with arginine, which is basic and polar, at codon 106 of the TYR protein (p.Gly106Arg). This variant is present in population databases (rs759163678, gnomAD 0.05%). This missense change has been observed in individual(s) with TYR-related conditions (PMID: 13680365). ClinVar contains an entry for this variant (Variation ID: 1406950). Advanced modeling of protein sequence and biophysical properties (such as structural, functional, and spatial information, amino acid conservation, physicochemical variation, residue mobility, and thermodynamic stability) performed at Invitae indicates that this missense variant is expected to disrupt TYR protein function. In summary, the available evidence is currently insufficient to determine the role of this variant in disease. Therefore, it has been classified as a Variant of Uncertain Significance.

Blueprint Genetics
Classification: Uncertain significance. Last evaluated: 2021-06-03. Review status: criteria provided, single submitter. Criteria: ACMG Guidelines, 2015. Collection method: clinical testing. Allele origin: germline.

Literature cited by the submitters: PubMed 13680365 (cited by Labcorp Genetics (formerly Invitae), Labcorp).